The following is an entry in ClinVar:

ClinVar aggregate classification (germline): Likely benign (1 of 4 stars; one submission).

Allele frequency attached by ClinVar (database versions not stated): gnomAD exomes 0.00002; ExAC 0.00014.
gnomAD v4.1: 39 of 1,595,672 alleles (0.0024%); highest among the groups gnomAD compares: East Asian, 0.016%; no homozygotes.

Submission:

CeGaT Center for Human Genetics Tuebingen
Classification: Likely benign. Last evaluated: 2022-06-01. Review status: criteria provided, single submitter. Criteria: CeGaT Center For Human Genetics Tuebingen Variant Classification Criteria Version 2. Collection method: clinical testing. Allele origin: germline. Affected: yes. Observed: 1 variant allele.
Comment: CHD5: BP4, BP7

NM_015557.3(CHD5):c.258G>A (p.Ser86=)

Gene: CHD5 (chromodomain helicase DNA binding protein 5; minus strand). Cytogenetic location: 1p36.31.
Variant type: single nucleotide variant.
Coding change: c.258G>A on transcript NM_015557.3 (MANE Select); coding-DNA position 258, G replaced by A.
Protein change: p.Ser86=; no amino-acid change (serine 86 retained).
Molecular consequence: synonymous variant.
Genome position (GRCh38, 1-based): chr1:6,159,465, C>T on the plus strand (G>A on the coding strand, the complement: CHD5 is on the minus strand). VCF-style: chr1-6159465-C-T. GRCh37 (hg19) VCF-style: chr1-6219525-C-T.
Identifiers: ClinVar variation 2638120 (VCV002638120.24), dbSNP rs777535759, ClinGen allele CA557404.